The following is an entry in ClinVar:

NM_018706.7(DHTKD1):c.385C>A (p.Gln129Lys)

Gene: DHTKD1 (dehydrogenase E1 and transketolase domain containing 1; plus strand). Cytogenetic location: 10p14.
Variant type: single nucleotide variant.
Coding change: c.385C>A on transcript NM_018706.7 (MANE Select); coding-DNA position 385, C replaced by A.
Protein change: p.Gln129Lys; replaces glutamine 129 with lysine.
Molecular consequence: missense variant.
Genome position (GRCh38, 1-based): chr10:12,084,614, C>A. VCF-style: chr10-12084614-C-A. GRCh37 (hg19) VCF-style: chr10-12126613-C-A.
Other names: short protein forms Q129K.
Identifiers: ClinVar variation 3645718 (VCV003645718.2).

ClinVar aggregate classification (germline): Uncertain significance (1 of 4 stars; one submission).

Conditions:
2-aminoadipic 2-oxoadipic aciduria (AAKAD). Also called: Aminoadipic aciduria; ALPHA-AMINOADIPIC AND ALPHA-KETOADIPIC ACIDURIA. Identifiers: Orphanet 79154, MedGen C1859817, MONDO:0008774, OMIM 204750.

gnomAD v4.1: 1 of 1,612,952 alleles (0.000062%); highest among the groups gnomAD compares: Non-Finnish European, 0.000085%; no homozygotes.

Submission:

Labcorp Genetics (formerly Invitae), Labcorp
Classification: Uncertain significance for 2-aminoadipic 2-oxoadipic aciduria. Last evaluated: 2024-06-09. Review status: criteria provided, single submitter. Criteria: Invitae Variant Classification Sherloc (09022015). Collection method: clinical testing. Allele origin: germline.
Comment: This sequence change replaces glutamine, which is neutral and polar, with lysine, which is basic and polar, at codon 129 of the DHTKD1 protein (p.Gln129Lys). This variant is not present in population databases (gnomAD no frequency). This variant has not been reported in the literature in individuals affected with DHTKD1-related conditions. Advanced modeling of protein sequence and biophysical properties (such as structural, functional, and spatial information, amino acid conservation, physicochemical variation, residue mobility, and thermodynamic stability) performed at Invitae indicates that this missense variant is not expected to disrupt DHTKD1 protein function with a negative predictive value of 80%. In summary, the available evidence is currently insufficient to determine the role of this variant in disease. Therefore, it has been classified as a Variant of Uncertain Significance.